The following is an entry in ClinVar:

NM_000384.3(APOB):c.7330C>T (p.Arg2444Cys)

Gene: APOB (apolipoprotein B; minus strand). Cytogenetic location: 2p24.1.
Variant type: single nucleotide variant.
Coding change: c.7330C>T on transcript NM_000384.3 (MANE Select); coding-DNA position 7330, C replaced by T.
Protein change: p.Arg2444Cys; replaces arginine 2444 with cysteine.
Molecular consequence: missense variant.
Genome position (GRCh38, 1-based): chr2:21,009,538, G>A on the plus strand (C>T on the coding strand, the complement: APOB is on the minus strand). VCF-style: chr2-21009538-G-A. GRCh37 (hg19) VCF-style: chr2-21232410-G-A.
Other names: short protein forms R2444C.
Identifiers: ClinVar variation 369884 (VCV000369884.12), dbSNP rs754565622, ClinGen allele CA064304.
Genomic context (GRCh38, chr2:21,009,538, plus strand): 5'-CAGCTTTTTGTGGTAGTTCCAGAGCCTGAATTTCACCATTGAGTCTCTGAGTCACCTCAC[G>A]GATTTTGTCATTGGTTTCATCTACAAACTGGTGGTAATCAAATGACTTTAATTTCTTTAT-3'
Protein context (NP_000375.3, residues 2434-2454): QFVDETNDKI[Arg2444Cys]EVTQRLNGEI

ClinVar aggregate classification (germline): Conflicting classifications of pathogenicity. Review status: criteria provided, conflicting classifications (1 of 4 stars). 5 submissions from 5 submitters: Uncertain significance (3); Likely benign (2). Last evaluated 2026-06-03.

Conditions:
Cardiovascular phenotype. Identifiers: MedGen CN230736.
Hypercholesterolemia, autosomal dominant, type B (FHCL2). Also called: APOLIPOPROTEIN B-100, FAMILIAL DEFECTIVE; APOLIPOPROTEIN B-100, FAMILIAL LIGAND-DEFECTIVE; Hyperlipoproteinemia Type IIb; Familial Hypercholesterolemia Type B; APOB-Related Familial Hypercholesterolemia, Autosomal Dominant; HYPERCHOLESTEROLEMIA, FAMILIAL, DUE TO LIGAND-DEFECTIVE APOLIPOPROTEIN B. Identifiers: MedGen C1704417, MONDO:0007751, OMIM 144010.
Familial hypobetalipoproteinemia 1. Also called: APOB-Related Familial Hypobetalipoproteinemia; Hypobetalipoproteinemia, normotriglyceridemic; Acanthocytosis with hypobetalipoproteinemia. Identifiers: MedGen C4551990, MONDO:0014252, OMIM 615558.
Hypercholesterolemia, familial, 1. Also called: LDL RECEPTOR DISORDER; Hyperlipoproteinemia Type IIa; HYPER-LOW-DENSITY-LIPOPROTEINEMIA; HYPERCHOLESTEROLEMIC XANTHOMATOSIS, FAMILIAL; Fredrickson type IIa hyperlipoproteinemia; Hyperlipoproteinemia type 2. Identifiers: Orphanet 391665, MedGen C0745103, MONDO:0007750, OMIM 143890.

Allele frequency attached by ClinVar (database versions not stated): TOPMed 0.00007; gnomAD 0.00004 and 0.00003; gnomAD exomes 0.00008; ExAC 0.00010.
gnomAD v4.1: 36 of 1,613,872 alleles (0.0022%); highest among the groups gnomAD compares: Admixed American, 0.0083%; no homozygotes.

Submissions (5):

Ambry Genetics
Classification: Likely benign for Cardiovascular phenotype. Last evaluated: 2026-06-03. Review status: criteria provided, single submitter. Criteria: Ambry Variant Classification Scheme 2023. Collection method: clinical testing. Allele origin: germline.

Labcorp Genetics (formerly Invitae), Labcorp
Classification: Likely benign for Familial hypobetalipoproteinemia 1; Hypercholesterolemia, autosomal dominant, type B. Last evaluated: 2025-08-29. Review status: criteria provided, single submitter. Criteria: Invitae Variant Classification Sherloc (09022015). Collection method: clinical testing. Allele origin: germline.

Quest Diagnostics Nichols Institute San Juan Capistrano
Classification: Uncertain significance. Last evaluated: 2025-02-04. Review status: criteria provided, single submitter. Criteria: Quest Diagnostics criteria. Collection method: clinical testing. Allele origin: unknown.
Comment: The APOB c.7330C>T (p.Arg2444Cys) variant has not been reported in individuals with APOB-related conditions in the published literature. The frequency of this variant in the general population (Genome Aggregation Database) is uninformative in the assessment of its pathogenicity. Analysis of this variant using bioinformatics tools for the prediction of the effect of amino acid changes on protein structure and function yielded predictions that this variant is benign. Based on the available information, we are unable to determine the clinical significance of this variant.

Phosphorus, Inc.
Classification: Uncertain significance. Last evaluated: 2022-01-18. Review status: criteria provided, single submitter. Criteria: ACMG Guidelines, 2015. Collection method: clinical testing. Allele origin: germline. Inheritance: Autosomal recessive inheritance.
Comment: This missense variant results in an amino acid substitution of Arginine with Cysteine at codon 2444 of the APOB gene (transcript: NM_000384.2). This variant has an entry in ClinVar (369884) NM_000384.3(APOB):c.7330C>T (p.Arg2444Cys). This variant occurred in gnomAD with a total MAF of 0 0.0086%and with the highest MAF of 0.0149% in the Latin American population. This position is not conserved. In silico functional algorithms predict this variant to be benign (PolyPhen) and damaging (SIFT). However, no functional studies were performed to confirm either of those predictions. The variant has not occurred in the literature in association with the disease. Considering that this is a rare variant and the available evidence is not enough to ascertain its role in disease, it has been classified as Variant of Uncertain Significance.

Robarts Research Institute, Western University
Classification: Uncertain significance for Hypercholesterolemia, familial, 1. Review status: criteria provided, single submitter. Criteria: Wang et al. (Arterioscler Thromb Vasc Biol. 2016). Collection method: clinical testing. Allele origin: germline. Inheritance: Autosomal dominant inheritance. Affected: yes. Observed: 1 variant allele.